The following is an entry in ClinVar:

ClinVar aggregate classification (germline): Uncertain significance (1 of 4 stars; one submission).

Allele frequency attached by ClinVar (database versions not stated): gnomAD exomes below 0.00001; TOPMed below 0.00001; gnomAD 0.00001.
gnomAD v4.1: 2 of 1,613,810 alleles (0.00012%); highest among the groups gnomAD compares: Non-Finnish European, 0.00017%; no homozygotes.

Submission:

CeGaT Center for Human Genetics Tuebingen
Classification: Uncertain significance. Last evaluated: 2023-07-01. Review status: criteria provided, single submitter. Criteria: CeGaT Center For Human Genetics Tuebingen Variant Classification Criteria Version 2. Collection method: clinical testing. Allele origin: germline. Affected: yes. Observed: 1 variant allele.
Comment: TTN: PM2

NM_001267550.2(TTN):c.4551T>G (p.Ile1517Met)

Genes: TTN (titin; minus strand), LOC101927055 (uncharacterized LOC101927055; plus strand). Cytogenetic location: 2q31.2.
Variant type: single nucleotide variant.
Coding change: c.4551T>G on transcript NM_001267550.2 (MANE Select); coding-DNA position 4551, T replaced by G.
Protein change: p.Ile1517Met; replaces isoleucine 1517 with methionine.
Molecular consequence: missense variant. On other transcripts: non-coding transcript variant (1).
Genome position (GRCh38, 1-based): chr2:178,777,514, A>C on the plus strand (T>G on the coding strand, the complement: TTN is on the minus strand). VCF-style: chr2-178777514-A-C. GRCh37 (hg19) VCF-style: chr2-179642241-A-C.
Other names: c.4551T>G, p.Ile1517Met (NM_001256850.1, NM_133378.4, NM_133379.5); c.4413T>G, p.Ile1471Met (NM_003319.4, NM_133432.3, NM_133437.4); short protein forms I1471M, I1517M.
Identifiers: ClinVar variation 2651724 (VCV002651724.24), dbSNP rs1438474327, ClinGen allele CA349466890.
Genomic context (GRCh38, chr2:178,777,514, plus strand): 5'-GCCTGCCCTGTTTTGGGCAACCACAGTCCATTCCCCAGAATCACTGGGTGTGGCAGGGAC[A>C]ATAATTAGTGATTGAGTACCATCTTCTTTAATGACTACTTTATGGGTATAGTCATTGACA-3'
Protein context (NP_001254479.2, residues 1507-1527): IKEDGTQSLI[Ile1517Met]VPATPSDSGE